The following is an entry in ClinVar:

ClinVar aggregate classification (germline): Conflicting classifications of pathogenicity. Review status: criteria provided, conflicting classifications (1 of 4 stars). 4 submissions from 4 submitters: Uncertain significance (1); Benign (1); Likely benign (2). Last evaluated 2025-06-15.

Conditions:
Autosomal dominant limb-girdle muscular dystrophy type 1F (LGMDD2). Also called: Limb-girdle muscular dystrophy, type 1F; MUSCULAR DYSTROPHY, LIMB-GIRDLE, AUTOSOMAL DOMINANT 2. Identifiers: Orphanet 55595, MedGen C1842062, MONDO:0012034, OMIM 608423.

Allele frequency attached by ClinVar (database versions not stated): gnomAD below 0.00001 and 0.00005; TOPMed 0.00004; gnomAD exomes 0.00020 and 0.00040; ExAC 0.00039; 1000 Genomes Project 0.00060; 1000 Genomes Project 30x 0.00062.
gnomAD v4.1: 298 of 1,611,954 alleles (0.018%); highest among the groups gnomAD compares: South Asian, 0.31%; 1 homozygote.

Submissions (4):

Labcorp Genetics (formerly Invitae), Labcorp
Classification: Benign for Autosomal dominant limb-girdle muscular dystrophy type 1F. Last evaluated: 2025-06-15. Review status: criteria provided, single submitter. Criteria: Invitae Variant Classification Sherloc (09022015). Collection method: clinical testing. Allele origin: germline.

Blueprint Genetics
Classification: Likely benign. Last evaluated: 2024-07-01. Review status: criteria provided, single submitter. Criteria: ACMG Guidelines, 2015. Collection method: clinical testing. Allele origin: germline.

GeneDx
Classification: Likely benign. Last evaluated: 2018-05-07. Review status: criteria provided, single submitter. Criteria: GeneDx Variant Classification (06012015). Collection method: clinical testing. Allele origin: germline. Affected: yes.
Comment: This variant is considered likely benign or benign based on one or more of the following criteria: it is a conservative change, it occurs at a poorly conserved position in the protein, it is predicted to be benign by multiple in silico algorithms, and/or has population frequency not consistent with disease.

Eurofins Ntd Llc (ga)
Classification: Uncertain significance. Last evaluated: 2016-12-25. Review status: criteria provided, single submitter. Criteria: EGL Classification Definitions 2015. Collection method: clinical testing. Allele origin: germline. Observed: 2 variant alleles, 1 heterozygote, 1 homozygote.

NM_012470.4(TNPO3):c.2274-5A>G

Gene: TNPO3 (transportin 3; minus strand). Cytogenetic location: 7q32.1.
Variant type: single nucleotide variant.
Coding change: c.2274-5A>G on transcript NM_012470.4 (MANE Select); 5 bases into the intron before coding-DNA position 2274, A replaced by G.
Molecular consequence: intron variant.
Genome position (GRCh38, 1-based): chr7:128,972,587, T>C on the plus strand (A>G on the coding strand, the complement: TNPO3 is on the minus strand). VCF-style: chr7-128972587-T-C. GRCh37 (hg19) VCF-style: chr7-128612641-T-C.
Other names: c.2130-5A>G (NM_001382221.1); c.2127-5A>G (NM_001382222.1); c.2166-5A>G (NM_001382219.1); c.2082-5A>G (NM_001382223.1, NM_001191028.3); c.2133-5A>G (NM_001382220.1); c.2274-5A>G (NM_001382218.1); c.2376-5A>G (NM_001382216.1); c.2355-5A>G (NM_001382217.1).
Identifiers: ClinVar variation 283491 (VCV000283491.18), dbSNP rs567711266, ClinGen allele CA4477901.
Genomic context (GRCh38, chr7:128,972,587, plus strand): 5'-AGATAGGGATGACCACTTGGCTCCGCAGCAAGGTGACAGGGCTACGCTGAATAAACCTGG[T>C]GTGGAAAGTGAGACTAGGTATAAATGACAAGATTAGGCTATAAAAGCAGCCAGGGTAAAA-3'